The following is an entry in ClinVar:

ClinVar aggregate classification (germline): Uncertain significance. Review status: criteria provided, multiple submitters, no conflicts (2 of 4 stars). 4 submissions from 4 submitters: Uncertain significance (4). Last evaluated 2025-01-27.

Conditions:
Cardiovascular phenotype. Identifiers: MedGen CN230736.
Hereditary cancer-predisposing syndrome. Also called: Hereditary neoplastic syndrome; Neoplastic Syndromes, Hereditary; Tumor predisposition; Hereditary Cancer Syndrome. Identifiers: Orphanet 140162, MedGen C0027672, MeSH D009386, MONDO:0015356.
Neurofibromatosis, type 1 (NF1). Also called: VON RECKLINGHAUSEN DISEASE; Peripheral type neurofibromatosis; NEUROFIBROMATOSIS, TYPE I, SOMATIC; Neurofibromatosis, type I. Identifiers: Orphanet 636, MedGen C0027831, MONDO:0018975, OMIM 162200. Disease mechanism: loss of function.

Allele frequency attached by ClinVar (database versions not stated): TOPMed below 0.00001.

Submissions (4):

Mayo Clinic Laboratories, Mayo Clinic
Classification: Uncertain significance. Last evaluated: 2025-01-27. Review status: criteria provided, single submitter. Criteria: ACMG Guidelines, 2015. Collection method: clinical testing. Allele origin: germline. Observed: 1 variant allele.
Comment: PP2, PM2_supporting, PM5

Ambry Genetics
Classification: Uncertain significance for Cardiovascular phenotype; Hereditary cancer-predisposing syndrome. Last evaluated: 2024-07-31. Review status: criteria provided, single submitter. Criteria: Ambry Variant Classification Scheme 2023. Collection method: clinical testing. Allele origin: germline.
Comment: The p.T780A variant (also known as c.2338A>G), located in coding exon 20 of the NF1 gene, results from an A to G substitution at nucleotide position 2338. The threonine at codon 780 is replaced by alanine, an amino acid with similar properties. This amino acid position is highly conserved in available vertebrate species. In addition, the in silico prediction for this alteration is inconclusive. Based on the available evidence, the clinical significance of this variant remains unclear.

Labcorp Genetics (formerly Invitae), Labcorp
Classification: Uncertain significance for Neurofibromatosis, type 1. Last evaluated: 2022-08-23. Review status: criteria provided, single submitter. Criteria: Invitae Variant Classification Sherloc (09022015). Collection method: clinical testing. Allele origin: germline.
Comment: This variant disrupts the p.Thr780 amino acid residue in NF1. Other variant(s) that disrupt this residue have been determined to be pathogenic (PMID: 10712197, 11735023, 12552569, 15146469, 16944272, 26478990). This suggests that this residue is clinically significant, and that variants that disrupt this residue are likely to be disease-causing. In summary, the available evidence is currently insufficient to determine the role of this variant in disease. Therefore, it has been classified as a Variant of Uncertain Significance. Algorithms developed to predict the effect of missense changes on protein structure and function are either unavailable or do not agree on the potential impact of this missense change (SIFT: "Tolerated"; PolyPhen-2: "Probably Damaging"; Align-GVGD: "Class C0"). ClinVar contains an entry for this variant (Variation ID: 484104). This variant has not been reported in the literature in individuals affected with NF1-related conditions. This variant is not present in population databases (gnomAD no frequency). This sequence change replaces threonine, which is neutral and polar, with alanine, which is neutral and non-polar, at codon 780 of the NF1 protein (p.Thr780Ala).

Genome-Nilou Lab
Classification: Uncertain significance for Neurofibromatosis, type 1. Last evaluated: 2022-03-15. Review status: criteria provided, single submitter. Criteria: ACMG Guidelines, 2015. Collection method: clinical testing. Allele origin: germline. Affected: no.

Literature cited by the submitters: PubMed 10712197 (cited by Labcorp Genetics (formerly Invitae), Labcorp); PubMed 11735023 (cited by Labcorp Genetics (formerly Invitae), Labcorp); PubMed 12552569 (cited by Labcorp Genetics (formerly Invitae), Labcorp); PubMed 15146469 (cited by Labcorp Genetics (formerly Invitae), Labcorp); PubMed 16944272 (cited by Labcorp Genetics (formerly Invitae), Labcorp); PubMed 26478990 (cited by Labcorp Genetics (formerly Invitae), Labcorp).

NM_001042492.3(NF1):c.2338A>G (p.Thr780Ala)

Gene: NF1 (neurofibromin 1; plus strand). Cytogenetic location: 17q11.2.
Variant type: single nucleotide variant.
Coding change: c.2338A>G on transcript NM_001042492.3 (MANE Select); coding-DNA position 2338, A replaced by G.
Protein change: p.Thr780Ala; replaces threonine 780 with alanine.
Molecular consequence: missense variant.
Genome position (GRCh38, 1-based): chr17:31,227,535, A>G. VCF-style: chr17-31227535-A-G. GRCh37 (hg19) VCF-style: chr17-29554553-A-G.
Other names: p.Thr780Ala; c.2338A>G, p.Thr780Ala (NM_000267.4); short protein forms T780A.
Identifiers: ClinVar variation 484104 (VCV000484104.14), dbSNP rs1205746953, ClinGen allele CA398983050.
Genomic context (GRCh38, chr17:31,227,535, plus strand): 5'-TTAGCTCTAGACTAAGTTGCTTTCAAGTGATAATTGCCTTCATTTTAGGCTTGGGAAGAT[A>G]CACATGCAAAATGGGAACAAGCAACAAAGCTAATCCTTAACTATCCAAAAGCCAAAATGG-3'
Protein context (NP_001035957.1, residues 770-790): TAGNTEAWED[Thr780Ala]HAKWEQATKL